The following is an entry in ClinVar:

NM_001370466.1(NOD2):c.1856C>T (p.Thr619Met)

Gene: NOD2 (nucleotide binding oligomerization domain containing 2; plus strand). Cytogenetic location: 16q12.1.
Variant type: single nucleotide variant.
Coding change: c.1856C>T on transcript NM_001370466.1 (MANE Select); coding-DNA position 1856, C replaced by T.
Protein change: p.Thr619Met; replaces threonine 619 with methionine.
Molecular consequence: missense variant. On other transcripts: non-coding transcript variant (1).
Genome position (GRCh38, 1-based): chr16:50,711,848, C>T. VCF-style: chr16-50711848-C-T. GRCh37 (hg19) VCF-style: chr16-50745759-C-T.
Other names: p.Thr646Met; c.1856C>T, p.Thr619Met (NM_001293557.2); c.1937C>T, p.Thr646Met (NM_022162.3); short protein forms T619M, T646M.
Identifiers: ClinVar variation 1963672 (VCV001963672.7), dbSNP rs370615110, ClinGen allele CA8051649.

ClinVar aggregate classification (germline): Uncertain significance. Review status: criteria provided, multiple submitters, no conflicts (2 of 4 stars). 3 submissions from 3 submitters: Uncertain significance (3). Last evaluated 2025-08-11.

Conditions:
Blau syndrome (BLAUS). Also called: JABS SYNDROME; ARTHROCUTANEOUVEAL GRANULOMATOSIS; GRANULOMATOSIS, FAMILIAL JUVENILE SYSTEMIC; GRANULOMATOSIS, FAMILIAL, BLAU TYPE; GRANULOMATOUS INFLAMMATORY ARTHRITIS, DERMATITIS, AND UVEITIS, FAMILIAL. Identifiers: Orphanet 90340, MedGen C5201146, MONDO:0008523, OMIM 186580.
Regional enteritis. Also called: Enteritis, Granulomatous. Identifiers: MedGen C0678202, MeSH D003424.
Inborn genetic diseases. Identifiers: MedGen C0950123, MeSH D030342.

Allele frequency attached by ClinVar (database versions not stated): ExAC 0.00003; TOPMed 0.00006; gnomAD 0.00007; ESP Exome Variant Server 0.00008.
gnomAD v4.1: 24 of 1,612,596 alleles (0.0015%); highest among the groups gnomAD compares: African/African-American, 0.016%; no homozygotes.

Submissions (3):

Ambry Genetics
Classification: Uncertain significance for Inborn genetic diseases. Last evaluated: 2025-08-11. Review status: criteria provided, single submitter. Criteria: Ambry Variant Classification Scheme 2023. Collection method: clinical testing. Allele origin: germline.

Labcorp Genetics (formerly Invitae), Labcorp
Classification: Uncertain significance for Regional enteritis; Blau syndrome. Last evaluated: 2025-08-10. Review status: criteria provided, single submitter. Criteria: Invitae Variant Classification Sherloc (09022015). Collection method: clinical testing. Allele origin: germline.
Comment: This sequence change replaces threonine, which is neutral and polar, with methionine, which is neutral and non-polar, at codon 646 of the NOD2 protein (p.Thr646Met). This variant is present in population databases (rs370615110, gnomAD 0.02%). This variant has not been reported in the literature in individuals affected with NOD2-related conditions. ClinVar contains an entry for this variant (Variation ID: 1963672). Invitae Evidence Modeling of protein sequence and biophysical properties (such as structural, functional, and spatial information, amino acid conservation, physicochemical variation, residue mobility, and thermodynamic stability) indicates that this missense variant is not expected to disrupt NOD2 protein function with a negative predictive value of 95%. In summary, the available evidence is currently insufficient to determine the role of this variant in disease. Therefore, it has been classified as a Variant of Uncertain Significance.

Mayo Clinic Laboratories, Mayo Clinic
Classification: Uncertain significance. Last evaluated: 2025-05-27. Review status: criteria provided, single submitter. Criteria: ACMG Guidelines, 2015. Collection method: clinical testing. Allele origin: germline. Observed: 1 variant allele.
Comment: BP4_moderate